The following is an entry in ClinVar:

ClinVar aggregate classification (germline): Conflicting classifications of pathogenicity. Review status: criteria provided, conflicting classifications (1 of 4 stars). 9 submissions from 7 submitters: Uncertain significance (4); Benign (1); Likely benign (3). 1 of the submissions does not count toward it. Last evaluated 2025-08-29.

Conditions:
INSR-related disorder.
Hyperinsulinism due to INSR deficiency. Also called: Hyperinsulinism due to glutamodehydrogenase deficiency. Identifiers: Orphanet 263458, MedGen C1864952, MONDO:0012381, OMIM 609968.
Leprechaunism syndrome. Also called: Donohue syndrome; LEPRECHAUNISM. Identifiers: Orphanet 508, MedGen C0265344, MONDO:0009517, OMIM 246200.
Rabson-Mendenhall syndrome. Also called: Pineal Hyperplasia, Insulin-Resistant Diabetes Mellitus, and Somatic Abnormalities; Pineal hyperplasia AND diabetes mellitus syndrome; MENDENHALL SYNDROME. Identifiers: Orphanet 769, MedGen C0271695, MONDO:0009874, OMIM 262190.
Insulin-resistant diabetes mellitus AND acanthosis nigricans. Also called: type A insulin resistance; Insulin-resistance syndrome type A; DIABETES MELLITUS, INSULIN-RESISTANT, WITH ACANTHOSIS NIGRICANS, TYPE A; INSULIN RECEPTOR, DEFECT IN, WITH INSULIN-RESISTANT DIABETES MELLITUS AND ACANTHOSIS NIGRICANS; IRAN, TYPE A. Identifiers: Orphanet 2297, MedGen C0342278, MONDO:0012520, OMIM 610549.

Allele frequency attached by ClinVar (database versions not stated): gnomAD exomes 0.00011 and 0.00025; ExAC 0.00035; 1000 Genomes Project 0.00040; 1000 Genomes Project 30x 0.00062; ESP Exome Variant Server 0.00062; gnomAD 0.00084 and 0.00092; TOPMed 0.00123.
gnomAD v4.1: 311 of 1,614,176 alleles (0.019%); highest among the groups gnomAD compares: African/African-American, 0.27%; no homozygotes.

Submissions (9):

Labcorp Genetics (formerly Invitae), Labcorp
Classification: Benign. Last evaluated: 2025-08-29. Review status: criteria provided, single submitter. Criteria: Invitae Variant Classification Sherloc (09022015). Collection method: clinical testing. Allele origin: germline.

Blueprint Genetics
Classification: Likely benign. Last evaluated: 2024-11-01. Review status: criteria provided, single submitter. Criteria: ACMG Guidelines, 2015. Collection method: clinical testing. Allele origin: germline.

Illumina Laboratory Services, Illumina
Classification: Uncertain significance for Rabson-Mendenhall syndrome. Last evaluated: 2018-01-13. Review status: criteria provided, single submitter. Criteria: ICSL Variant Classification Criteria 13 December 2019. Collection method: clinical testing. Allele origin: germline.

Illumina Laboratory Services, Illumina
Classification: Uncertain significance for Insulin-resistant diabetes mellitus AND acanthosis nigricans. Last evaluated: 2018-01-13. Review status: criteria provided, single submitter. Criteria: ICSL Variant Classification Criteria 13 December 2019. Collection method: clinical testing. Allele origin: germline.

Illumina Laboratory Services, Illumina
Classification: Uncertain significance for Leprechaunism syndrome. Last evaluated: 2018-01-13. Review status: criteria provided, single submitter. Criteria: ICSL Variant Classification Criteria 13 December 2019. Collection method: clinical testing. Allele origin: germline.

Eurofins Ntd Llc (ga)
Classification: Uncertain significance. Last evaluated: 2016-12-28. Review status: criteria provided, single submitter. Criteria: EGL Classification Definitions 2015. Collection method: clinical testing. Allele origin: germline. Observed: 2 variant alleles, 2 heterozygotes.

Genetic Services Laboratory, University of Chicago
Classification: Likely benign. Last evaluated: 2016-03-09. Review status: criteria provided, single submitter. Criteria: ACMG Guidelines, 2015. Collection method: clinical testing. Allele origin: germline. Affected: no.

Clinical Genomics, Uppaluri K&H Personalized Medicine Clinic
Classification: Likely benign for Hyperinsulinism due to INSR deficiency. Review status: criteria provided, single submitter. Criteria: K And H Uppaluri Personalized Medicine Clinic Variant Classification And Assertion Criteria Updated V 2. Collection method: research. Allele origin: unknown. Inheritance: Autosomal dominant inheritance.
Comment: Potent mutations in INSR gene can lead to insulin resistance, which presents as impaired glucose tolerance, early onset type 2 diabetes, post prandial hyperglycemia and increased insulin requirement in type 1 diabetes. These mutations in INSR gene can also predispose to coronary artery disease, metabolic syndrome, polycystic ovarian disease and non alcoholic fatty liver disease.However, the role of this particular variant rs144836032 with early onset diabetes mellitus is yet to be ascertained.

PreventionGenetics, part of Exact Sciences
Classification: Likely benign for INSR-related condition. Last evaluated: 2024-02-18. Review status: no assertion criteria provided. Collection method: clinical testing. Allele origin: germline. Not counted in ClinVar's aggregate classification.
Comment: This variant is classified as likely benign based on ACMG/AMP sequence variant interpretation guidelines (Richards et al. 2015 PMID: 25741868, with internal and published modifications).

Literature cited by the submitters: PubMed 35000900 (cited by Clinical Genomics, Uppaluri K&H Personalized Medicine Clinic); PubMed 31989990 (cited by Clinical Genomics, Uppaluri K&H Personalized Medicine Clinic); PubMed 23705494 (cited by Clinical Genomics, Uppaluri K&H Personalized Medicine Clinic).

NM_000208.4(INSR):c.190T>C (p.Leu64=)

Gene: INSR (insulin receptor; minus strand). Cytogenetic location: 19p13.2.
Variant type: single nucleotide variant.
Coding change: c.190T>C on transcript NM_000208.4 (MANE Select); coding-DNA position 190, T replaced by C.
Protein change: p.Leu64=; no amino-acid change (leucine 64 retained).
Molecular consequence: synonymous variant.
Genome position (GRCh38, 1-based): chr19:7,267,807, A>G on the plus strand (T>C on the coding strand, the complement: INSR is on the minus strand). VCF-style: chr19-7267807-A-G. GRCh37 (hg19) VCF-style: chr19-7267818-A-G.
Other names: c.190T>C, p.Leu64= (NM_001079817.3); c.190T>C (NM_000208.3).
Identifiers: ClinVar variation 195041 (VCV000195041.21), dbSNP rs144836032, ClinGen allele CA241307.